The following is an entry in ClinVar:

NM_001371986.1(UNC80):c.9404G>A (p.Arg3135His)

Gene: UNC80 (unc-80 subunit of NALCN channel complex; plus strand). Cytogenetic location: 2q34.
Variant type: single nucleotide variant.
Coding change: c.9404G>A on transcript NM_001371986.1 (MANE Select); coding-DNA position 9404, G replaced by A.
Protein change: p.Arg3135His; replaces arginine 3135 with histidine.
Molecular consequence: missense variant.
Genome position (GRCh38, 1-based): chr2:209,993,322, G>A. VCF-style: chr2-209993322-G-A. GRCh37 (hg19) VCF-style: chr2-210858046-G-A.
Other names: c.9206G>A, p.Arg3069His (NM_032504.2); c.9134G>A, p.Arg3045His (NM_182587.4); short protein forms R3135H, R3069H, R3045H.
Identifiers: ClinVar variation 1910159 (VCV001910159.3), dbSNP rs2093425631, ClinGen allele CA350415455.

ClinVar aggregate classification (germline): Uncertain significance (1 of 4 stars; one submission).

gnomAD v4.1: 7 of 1,551,676 alleles (0.00045%); highest among the groups gnomAD compares: African/African-American, 0.0014%; no homozygotes.

Submission:

Labcorp Genetics (formerly Invitae), Labcorp
Classification: Uncertain significance. Last evaluated: 2025-03-31. Review status: criteria provided, single submitter. Criteria: Invitae Variant Classification Sherloc (09022015). Collection method: clinical testing. Allele origin: germline.
Comment: This sequence change replaces arginine, which is basic and polar, with histidine, which is basic and polar, at codon 3069 of the UNC80 protein (p.Arg3069His). This variant is not present in population databases (gnomAD no frequency). This variant has not been reported in the literature in individuals affected with UNC80-related conditions. ClinVar contains an entry for this variant (Variation ID: 1910159). Invitae Evidence Modeling of protein sequence and biophysical properties (such as structural, functional, and spatial information, amino acid conservation, physicochemical variation, residue mobility, and thermodynamic stability) indicates that this missense variant is not expected to disrupt UNC80 protein function with a negative predictive value of 80%. Algorithms developed to predict the effect of sequence changes on RNA splicing suggest that this variant may disrupt the consensus splice site. In summary, the available evidence is currently insufficient to determine the role of this variant in disease. Therefore, it has been classified as a Variant of Uncertain Significance.